The following is an entry in ClinVar:

NM_001378778.1(MPDZ):c.4102A>G (p.Lys1368Glu)

Gene: MPDZ (multiple PDZ domain crumbs cell polarity complex component; minus strand). Cytogenetic location: 9p23.
Variant type: single nucleotide variant.
Coding change: c.4102A>G on transcript NM_001378778.1 (MANE Select); coding-DNA position 4102, A replaced by G.
Protein change: p.Lys1368Glu; replaces lysine 1368 with glutamic acid.
Molecular consequence: missense variant.
Genome position (GRCh38, 1-based): chr9:13,138,055, T>C on the plus strand (A>G on the coding strand, the complement: MPDZ is on the minus strand). VCF-style: chr9-13138055-T-C. GRCh37 (hg19) VCF-style: chr9-13138054-T-C.
Other names: c.4003A>G, p.Lys1335Glu (NM_001261406.2, NM_001261407.2, NM_001375416.1 and 3 more transcripts); c.4102A>G, p.Lys1368Glu (NM_001330637.2, NM_001375413.1, NM_003829.5); c.3892A>G, p.Lys1298Glu (NM_001375420.1, NM_001375421.1, NM_001375422.1 and 4 more transcripts); c.3694A>G, p.Lys1232Glu (NM_001375427.1); c.4102A>G (NM_003829.3); short protein forms K1232E, K1368E, K1335E, K1298E.
Identifiers: ClinVar variation 1345338 (VCV001345338.8), dbSNP rs757976556, ClinGen allele CA4986833.

ClinVar aggregate classification (germline): Uncertain significance. Review status: criteria provided, multiple submitters, no conflicts (2 of 4 stars). 2 submissions from 2 submitters: Uncertain significance (2). Last evaluated 2025-05-13.

Conditions:
Inborn genetic diseases. Identifiers: MedGen C0950123, MeSH D030342.

Allele frequency attached by ClinVar (database versions not stated): gnomAD exomes 0.00002 and 0.00001; gnomAD 0.00002; ExAC 0.00001; TOPMed 0.00002.
gnomAD v4.1: 15 of 1,613,750 alleles (0.00093%); highest among the groups gnomAD compares: Admixed American, 0.0033%; no homozygotes.

Submissions (2):

Ambry Genetics
Classification: Uncertain significance for Inborn genetic diseases. Last evaluated: 2025-05-13. Review status: criteria provided, single submitter. Criteria: Ambry Variant Classification Scheme 2023. Collection method: clinical testing. Allele origin: germline.

Labcorp Genetics (formerly Invitae), Labcorp
Classification: Uncertain significance. Last evaluated: 2022-07-23. Review status: criteria provided, single submitter. Criteria: Invitae Variant Classification Sherloc (09022015). Collection method: clinical testing. Allele origin: germline.
Comment: This variant has not been reported in the literature in individuals affected with MPDZ-related conditions. ClinVar contains an entry for this variant (Variation ID: 1345338). Algorithms developed to predict the effect of missense changes on protein structure and function (SIFT, PolyPhen-2, Align-GVGD) all suggest that this variant is likely to be disruptive. In summary, the available evidence is currently insufficient to determine the role of this variant in disease. Therefore, it has been classified as a Variant of Uncertain Significance. This variant is present in population databases (rs757976556, gnomAD 0.003%). This sequence change replaces lysine, which is basic and polar, with glutamic acid, which is acidic and polar, at codon 1368 of the MPDZ protein (p.Lys1368Glu).